The following is an entry in ClinVar:

NC_000009.11:g.(?_133553896)_(133557056_?)del

Gene: PRDM12 (PR/SET domain 12; plus strand). Cytogenetic location: 9q34.12.
Variant type: Deletion.
Identifiers: ClinVar variation 1451036 (VCV001451036.5).

ClinVar aggregate classification (germline): Uncertain significance (1 of 4 stars; one submission).

Conditions:
Congenital insensitivity to pain-hypohidrosis syndrome. Also called: HSAN VIII; Neuropathy, hereditary sensory and autonomic, type VIII. Identifiers: Orphanet 478664, MedGen C4225308, MONDO:0014662, OMIM 616488.

Submission:

Labcorp Genetics (formerly Invitae), Labcorp
Classification: Uncertain significance for Congenital insensitivity to pain-hypohidrosis syndrome. Last evaluated: 2022-10-13. Review status: criteria provided, single submitter. Criteria: Invitae Variant Classification Sherloc (09022015). Collection method: clinical testing. Allele origin: germline.
Comment: In summary, the available evidence is currently insufficient to determine the role of this variant in disease. Therefore, it has been classified as a Variant of Uncertain Significance. Experimental studies and prediction algorithms are not available or were not evaluated, and the functional significance of this variant is currently unknown. This variant has not been reported in the literature in individuals affected with PRDM12-related conditions. This variant is a gross deletion of the genomic region encompassing exon(s) 4-5 of the PRDM12 gene, which includes the termination codon. This deletion extends beyond the assayed region for this gene and therefore may encompass additional genes. While this deletion is not anticipated to lead to nonsense mediated decay, it is expected to alter mRNA translation or result in a truncated protein product.